The following is an entry in ClinVar:

NM_000218.3(KCNQ1):c.1078A>T (p.Arg360Trp)

Gene: KCNQ1 (potassium voltage-gated channel subfamily Q member 1; plus strand). Cytogenetic location: 11p15.5.
Variant type: single nucleotide variant.
Coding change: c.1078A>T on transcript NM_000218.3 (MANE Select); coding-DNA position 1078, A replaced by T.
Protein change: p.Arg360Trp; replaces arginine 360 with tryptophan.
Molecular consequence: missense variant.
Genome position (GRCh38, 1-based): chr11:2,585,257, A>T. VCF-style: chr11-2585257-A-T. GRCh37 (hg19) VCF-style: chr11-2606487-A-T.
Other names: p.R360W:AGG>TGG; c.808A>T, p.Arg270Trp (NM_001406837.1); c.697A>T, p.Arg233Trp (NM_181798.2); short protein forms R233W, R360W, R270W.
Identifiers: ClinVar variation 200839 (VCV000200839.4), dbSNP rs199473406, ClinGen allele CA005188.

ClinVar aggregate classification (germline): Likely pathogenic (1 of 4 stars; one submission).

Submission:

GeneDx
Classification: Likely pathogenic. Last evaluated: 2018-02-26. Review status: criteria provided, single submitter. Criteria: GeneDx Variant Classification (06012015). Collection method: clinical testing. Allele origin: germline. Affected: yes.
Comment: Although the R360W variant has not been published as a pathogenic variant, nor has it been reported as a benign variant to our knowledge, this substitution occurs at a position that is conserved across species and is located in the S6-AB linker region at the C-terminus of the protein, a region critical for PIP2 activation of the channel (Telezhkin et al., 2013). Additionally, variants affecting the R360 residue have been reported (R360M, R360T) in association with LQTS (Stenson et al., 2014). The R360W variant was not observed in approximately 6500 individuals of European and African American ancestry in the NHLBI Exome Sequencing Project, indicating it is not a common benign variant in these populations. Moreover, the R360W variant is a non-conservative amino acid substitution, which is likely to impact secondary protein structure as these residues differ in polarity, charge, size and/or other properties, and in silico analysis predicts this variant is probably damaging to the protein structure/function. Finally, this variant was seen co-segregating with prolonged QTc intervals in six relatives in this family referred for genetic testing at GeneDx. Therefore, this variant is likely pathogenic.